The following is an entry in ClinVar:

ClinVar aggregate classification (germline): Likely benign. Review status: criteria provided, multiple submitters, no conflicts (2 of 4 stars). 3 submissions from 3 submitters: Likely benign (3). Last evaluated 2026-06-24.

Conditions:
DNAH9-related disorder. Also called: DNAH9-related condition.

Allele frequency attached by ClinVar (database versions not stated): gnomAD exomes 0.00003 and 0.00010; ESP Exome Variant Server 0.00008; ExAC 0.00009; gnomAD 0.00013; 1000 Genomes Project 30x 0.00016; 1000 Genomes Project 0.00020; TOPMed 0.00021.
gnomAD v4.1: 88 of 1,613,568 alleles (0.0055%); highest among the groups gnomAD compares: East Asian, 0.047%; no homozygotes.

Submissions (3):

PreventionGenetics, part of Exact Sciences
Classification: Likely benign for DNAH9-related condition. Last evaluated: 2026-06-24. Review status: criteria provided, single submitter. Criteria: ACMG Guidelines, 2015. Collection method: clinical testing. Allele origin: germline.
Comment: This variant is classified as likely benign based on ACMG/AMP sequence variant interpretation guidelines (Richards et al. 2015 PMID: 25741868, with internal and published modifications).

Labcorp Genetics (formerly Invitae), Labcorp
Classification: Likely benign. Last evaluated: 2025-11-06. Review status: criteria provided, single submitter. Criteria: Invitae Variant Classification Sherloc (09022015). Collection method: clinical testing. Allele origin: germline.

Blueprint Genetics
Classification: Likely benign. Last evaluated: 2024-09-13. Review status: criteria provided, single submitter. Criteria: ACMG Guidelines, 2015. Collection method: clinical testing. Allele origin: germline.

NM_001372.4(DNAH9):c.6867G>A (p.Pro2289=)

Gene: DNAH9 (dynein axonemal heavy chain 9; plus strand). Cytogenetic location: 17p12.
Variant type: single nucleotide variant.
Coding change: c.6867G>A on transcript NM_001372.4 (MANE Select); coding-DNA position 6867, G replaced by A.
Protein change: p.Pro2289=; no amino-acid change (proline 2289 retained).
Molecular consequence: synonymous variant.
Genome position (GRCh38, 1-based): chr17:11,757,564, G>A. VCF-style: chr17-11757564-G-A. GRCh37 (hg19) VCF-style: chr17-11660881-G-A.
Other names: c.6867G>A (NM_001372.3).
Identifiers: ClinVar variation 1543995 (VCV001543995.10), dbSNP rs200875814, ClinGen allele CA8396458.